The following is an entry in ClinVar:

NM_130839.5(UBE3A):c.905C>T (p.Ala302Val)

Genes: SNHG14 (small nucleolar RNA host gene 14; plus strand), UBE3A (ubiquitin protein ligase E3A; minus strand). Cytogenetic location: 15q11.2.
Variant type: single nucleotide variant.
Coding change: c.905C>T on transcript NM_130839.5 (MANE Select); coding-DNA position 905, C replaced by T.
Protein change: p.Ala302Val; replaces alanine 302 with valine.
Molecular consequence: missense variant. On other transcripts: non-coding transcript variant (1), intron variant (2).
Genome position (GRCh38, 1-based): chr15:25,371,269, G>A on the plus strand (C>T on the coding strand, the complement: UBE3A is on the minus strand). VCF-style: chr15-25371269-G-A. GRCh37 (hg19) VCF-style: chr15-25616416-G-A.
Other names: c.845C>T, p.Ala282Val (NM_001354543.2, NM_001354544.2, NM_001354547.2 and 17 more transcripts); c.905C>T, p.Ala302Val (NM_001354545.2, NM_001354505.1, NM_001354538.2); c.728C>T, p.Ala243Val (NM_001354546.2); c.914C>T, p.Ala305Val (NM_000462.5); c.301+4196C>T (NM_001354551.2); c.361+4196C>T (NM_001354550.2); short protein forms A243V, A282V, A302V, A305V.
Identifiers: ClinVar variation 4689923 (VCV004689923.1).

ClinVar aggregate classification (germline): Uncertain significance (1 of 4 stars; one submission).

Submission:

GeneDx
Classification: Uncertain significance. Last evaluated: 2025-07-29. Review status: criteria provided, single submitter. Criteria: GeneDx Variant Classification Process June 2021. Collection method: clinical testing. Allele origin: germline. Affected: yes.
Comment: Not observed at significant frequency in large population cohorts (gnomAD); In silico analysis suggests that this missense variant does not alter protein structure/function; Has not been previously published as pathogenic or benign to our knowledge